The following is an entry in ClinVar:

ClinVar aggregate classification (germline): Pathogenic. Review status: criteria provided, multiple submitters, no conflicts (2 of 4 stars). 3 submissions from 3 submitters: Pathogenic (2). 1 of the submissions does not count toward it. Last evaluated 2021-08-31.

Conditions:
KRIT1-related disorder. Also called: KRIT1-related condition; KRIT1-related disorders.
Hyperkeratotic cutaneous capillary-venous malformations associated with cerebral capillary malformations. Identifiers: MedGen C1861786.

Submissions (3):

GeneDx
Classification: Pathogenic. Last evaluated: 2021-08-31. Review status: criteria provided, single submitter. Criteria: GeneDx Variant Classification Process June 2021. Collection method: clinical testing. Allele origin: germline. Affected: yes.
Comment: Frameshift variant predicted to result in protein truncation or nonsense mediated decay in a gene for which loss-of-function is a known mechanism of disease; Not observed at significant frequency in large population cohorts (Lek et al., 2016); This variant is associated with the following publications: (PMID: 24238821, 10814716)

Blueprint Genetics
Classification: Pathogenic for KRIT1-related disorders. Last evaluated: 2020-03-06. Review status: criteria provided, single submitter. Criteria: ACMG Guidelines, 2015. Collection method: clinical testing. Allele origin: germline. Affected: yes. Observed: 1 variant allele.

OMIM
Classification: Pathogenic for HYPERKERATOTIC CUTANEOUS CAPILLARY-VENOUS MALFORMATIONS ASSOCIATED WITH CEREBRAL CAPILLARY MALFORMATIONS. Last evaluated: 2000-05-22. Review status: no assertion criteria provided. Collection method: literature only. Allele origin: germline. Not counted in ClinVar's aggregate classification.

Literature cited by the submitters: PubMed 10814716 (cited by OMIM).

NM_194454.3(KRIT1):c.699del (p.Leu233fs)

Gene: KRIT1 (KRIT1 ankyrin repeat containing; minus strand). Cytogenetic location: 7q21.2.
Variant type: Deletion.
Coding change: c.699del on transcript NM_194454.3 (MANE Select); coding-DNA position 699, one base deleted (G; older notation c.699delG).
Protein change: p.Leu233fs; shifts the reading frame from leucine 233.
Molecular consequence: frameshift variant. On other transcripts: intron variant (1).
Genome position (GRCh38, 1-based): chr7:92,235,433, C deleted on the plus strand (G on the coding strand, the reverse complement: KRIT1 is on the minus strand). VCF-style (leftmost placement, unchanged base first): chr7-92235432-AC-A. GRCh37 (hg19) VCF-style: chr7-91864746-AC-A.
Other names: c.699del, p.Leu233fs (NM_194456.1, NM_001013406.2, NM_001350669.1 and 29 more transcripts); c.15+101del (NM_001350671.1); short protein forms L233fs.
Identifiers: ClinVar variation 1254168 (VCV001254168.4), dbSNP rs2131660732, ClinGen allele CA2499219040.